The following is an entry in ClinVar:

ClinVar aggregate classification (germline): Pathogenic (1 of 4 stars; one submission).

Conditions:
Usher syndrome type 1 (USH1). Also called: RETINITIS PIGMENTOSA AND CONGENITAL DEAFNESS. Identifiers: Orphanet 231169, Orphanet 886, MedGen C1568247, MONDO:0010168, OMIM 276900.

Submission:

Natera, Inc.
Classification: Pathogenic for Usher syndrome type 1. Last evaluated: 2024-09-08. Review status: criteria provided, single submitter. Criteria: Natera Variant Classification Schema (03/2026). Collection method: clinical testing. Allele origin: germline.
Comment: The c.6999C>A variant in CDH23 is a nonsense variant predicted to introduce a stop codon at amino acid 2333. This variant is expected to result in nonsense mediated decay, truncation, or a dysfunctional protein product. This variant is rare in the general population with a frequency below the threshold expected for the associated phenotype(s). This variant has been observed in one or more individuals affected with the associated recessive disease, as either homozygous or compound heterozygous with a second variant (PMID: 37466950). Given the available evidence, this variant is classified as Pathogenic.

Literature cited by the submitters: PubMed 37466950.

NM_022124.6(CDH23):c.6999C>A (p.Tyr2333Ter)

Gene: CDH23 (cadherin related 23; plus strand). Cytogenetic location: 10q22.1.
Variant type: single nucleotide variant.
Coding change: c.6999C>A on transcript NM_022124.6 (MANE Select); coding-DNA position 6999, C replaced by A.
Protein change: p.Tyr2333Ter; replaces tyrosine 2333 with a stop codon.
Molecular consequence: nonsense.
Genome position (GRCh38, 1-based): chr10:71,798,523, C>A. VCF-style: chr10-71798523-C-A. GRCh37 (hg19) VCF-style: chr10-73558280-C-A.
Other names: c.279C>A, p.Tyr93Ter (NM_001171933.1, NM_001171934.1); short protein forms Y2333*, Y93*.
Identifiers: ClinVar variation 4816094 (VCV004816094.1).
Genomic context (GRCh38, chr10:71,798,523, plus strand): 5'-CACACTCATTGCTGTGGCAGCCGTGGACCCTGACAAGGGCCTTAATGGGCTGGTCACCTA[C>A]ACCCTGCTGGACCTGGTGCCCCCAGGGTATGTCCAGCTGGAGGACTCCTCGGCAGGTAGG-3'